The following is an entry in ClinVar:

NM_001048174.2(MUTYH):c.1497A>C (p.Gln499His)

Gene: MUTYH (mutY DNA glycosylase; minus strand). Cytogenetic location: 1p34.1.
Variant type: single nucleotide variant.
Coding change: c.1497A>C on transcript NM_001048174.2 (MANE Select); coding-DNA position 1497, A replaced by C.
Protein change: p.Gln499His; replaces glutamine 499 with histidine.
Molecular consequence: missense variant. On other transcripts: non-coding transcript variant (7).
Genome position (GRCh38, 1-based): chr1:45,329,375, T>G on the plus strand (A>C on the coding strand, the complement: MUTYH is on the minus strand). VCF-style: chr1-45329375-T-G. GRCh37 (hg19) VCF-style: chr1-45795047-T-G.
Other names: c.1497A>C, p.Gln499His (NM_001048171.2, NM_001048173.2, NM_001293195.2 and 6 more transcripts); c.1500A>C, p.Gln500His (NM_001048172.2, NM_001407071.1, NM_001407078.1 and 1 more transcripts); c.1581A>C, p.Gln527His (NM_001128425.2); c.1542A>C, p.Gln514His (NM_001293190.2); c.1530A>C, p.Gln510His (NM_001293191.2, NM_001407069.1, NM_001407077.1); c.1221A>C, p.Gln407His (NM_001293192.2, NM_001293196.2, NM_001407091.1); c.1152A>C, p.Gln384His (NM_001350650.2, NM_001350651.2, NM_001407082.1); c.1413A>C, p.Gln471His (NM_001407075.1); and 5 more; short protein forms Q407H, Q486H, Q506H, Q510H, Q513H, Q499H, Q500H, Q514H.
Identifiers: ClinVar variation 4113393 (VCV004113393.1).
Genomic context (GRCh38, chr1:45,329,375, plus strand): 5'-TGCACTGTTGAGGCTGTGTGCATCAGTGGAGATGTGAGACCGAAAGAAATTATCCAGGAC[T>G]TGCTGGCCCATGCGGGGCTTTTTCCGACTGCACGGAGAGGACACCTGGGACCTTTTGGAA-3'
Protein context (NP_001041639.1, residues 489-509): CSRKKPRMGQ[Gln499His]VLDNFFRSHI

ClinVar aggregate classification (germline): Uncertain significance (1 of 4 stars; one submission).

Conditions:
Hereditary cancer-predisposing syndrome. Also called: Tumor predisposition; Neoplastic Syndromes, Hereditary; Hereditary neoplastic syndrome; Hereditary Cancer Syndrome. Identifiers: Orphanet 140162, MedGen C0027672, MeSH D009386, MONDO:0015356.

Submission:

Ambry Genetics
Classification: Uncertain significance for Hereditary cancer-predisposing syndrome. Last evaluated: 2025-08-27. Review status: criteria provided, single submitter. Criteria: Ambry Variant Classification Scheme 2023. Collection method: clinical testing. Allele origin: germline.
Comment: The p.Q527H variant (also known as c.1581A>C), located in coding exon 16 of the MUTYH gene, results from an A to C substitution at nucleotide position 1581. The glutamine at codon 527 is replaced by histidine, an amino acid with highly similar properties. This amino acid position is conserved. In addition, the in silico prediction for this alteration is inconclusive. Based on the available evidence, the clinical significance of this variant remains unclear.